The following is an entry in ClinVar:

NM_006005.3(WFS1):c.2048T>C (p.Met683Thr)

Gene: WFS1 (wolframin ER transmembrane glycoprotein; plus strand). Cytogenetic location: 4p16.1.
Variant type: single nucleotide variant.
Coding change: c.2048T>C on transcript NM_006005.3 (MANE Select); coding-DNA position 2048, T replaced by C.
Protein change: p.Met683Thr; replaces methionine 683 with threonine.
Molecular consequence: missense variant.
Genome position (GRCh38, 1-based): chr4:6,301,843, T>C. VCF-style: chr4-6301843-T-C. GRCh37 (hg19) VCF-style: chr4-6303570-T-C.
Other names: c.2048T>C, p.Met683Thr (NM_001145853.1); short protein forms M683T.
Identifiers: ClinVar variation 4532569 (VCV004532569.1).

ClinVar aggregate classification (germline): Uncertain significance (1 of 4 stars; one submission).

Submission:

GeneDx
Classification: Uncertain significance. Last evaluated: 2025-05-28. Review status: criteria provided, single submitter. Criteria: GeneDx Variant Classification Process June 2021. Collection method: clinical testing. Allele origin: germline. Affected: yes.
Comment: Not observed at significant frequency in large population cohorts (gnomAD); In silico analysis suggests that this missense variant does not alter protein structure/function; Has not been previously published as pathogenic or benign to our knowledge